The following is an entry in ClinVar:

NM_001211.6(BUB1B):c.1371A>G (p.Gln457=)

Gene: BUB1B (BUB1 mitotic checkpoint serine/threonine kinase B; plus strand). Cytogenetic location: 15q15.1.
Variant type: single nucleotide variant.
Coding change: c.1371A>G on transcript NM_001211.6 (MANE Select); coding-DNA position 1371, A replaced by G.
Protein change: p.Gln457=; no amino-acid change (glutamine 457 retained).
Molecular consequence: synonymous variant.
Genome position (GRCh38, 1-based): chr15:40,199,697, A>G. VCF-style: chr15-40199697-A-G. GRCh37 (hg19) VCF-style: chr15-40491898-A-G.
Identifiers: ClinVar variation 238661 (VCV000238661.19), dbSNP rs141013408, ClinGen allele CA7475714.
Genomic context (GRCh38, chr15:40,199,697, plus strand): 5'-GAAGAGAGCAGAAATGCAGAAACAGATTGAAGAGATGGAGAAGAAGCTAAAAGAAATCCA[A>G]ACTACTCAGCAAGAAAGAACAGGTGATCAGGTAATTTTTCTTTTTTCATACACAAAACTA-3'
Protein context (NP_001202.5, residues 447-467): EEMEKKLKEI[Gln457=]TTQQERTGDQ

ClinVar aggregate classification (germline): Conflicting classifications of pathogenicity. Review status: criteria provided, conflicting classifications (1 of 4 stars). 6 submissions from 5 submitters: Uncertain significance (1); Benign (1); Likely benign (3). 1 of the submissions does not count toward it. Last evaluated 2025-09-15.

Conditions:
Inborn genetic diseases. Identifiers: MedGen C0950123, MeSH D030342.
Colorectal cancer. Also called: Colorectal cancer, somatic; Malignant Colorectal Neoplasm. Identifiers: MedGen C0346629, MONDO:0005575, OMIM 114500.
BUB1B-related disorder. Also called: BUB1B-related condition.
Mosaic variegated aneuploidy syndrome 1 (MVA1). Also called: Warburton-Anyane-Yeboa syndrome. Identifiers: Orphanet 1052, MedGen C1850343, MONDO:0009759, OMIM 257300.
Premature chromatid separation trait (PCS). Also called: TOTAL PREMATURE CHROMATID SEPARATION TRAIT. Identifiers: MedGen C1864389, MONDO:0008304, OMIM 176430.

Allele frequency attached by ClinVar (database versions not stated): gnomAD exomes 0.00004; 1000 Genomes Project 30x 0.00031; gnomAD 0.00033; 1000 Genomes Project 0.00040; TOPMed 0.00042; ESP Exome Variant Server 0.00062.
gnomAD v4.1: 133 of 1,613,908 alleles (0.0082%); highest among the groups gnomAD compares: African/African-American, 0.12%; no homozygotes.

Submissions (6):

Labcorp Genetics (formerly Invitae), Labcorp
Classification: Likely benign for Mosaic variegated aneuploidy syndrome 1. Last evaluated: 2025-09-15. Review status: criteria provided, single submitter. Criteria: Invitae Variant Classification Sherloc (09022015). Collection method: clinical testing. Allele origin: germline.

KCCC/NGS Laboratory, Kuwait Cancer Control Center
Classification: Benign for Premature chromatid separation trait. Last evaluated: 2025-02-01. Review status: criteria provided, single submitter. Criteria: ACMG Guidelines, 2015. Collection method: clinical testing. Allele origin: germline. Affected: no.

KCCC/NGS Laboratory, Kuwait Cancer Control Center
Classification: Likely benign for Colorectal cancer. Last evaluated: 2023-07-07. Review status: criteria provided, single submitter. Criteria: ACMG Guidelines, 2015. Collection method: clinical testing. Allele origin: germline. Affected: yes.

Ambry Genetics
Classification: Likely benign for Inborn genetic diseases. Last evaluated: 2022-02-15. Review status: criteria provided, single submitter. Criteria: Ambry Variant Classification Scheme 2023. Collection method: clinical testing. Allele origin: germline.

Laboratorio de Genetica e Diagnostico Molecular, Hospital Israelita Albert Einstein
Classification: Uncertain significance. Last evaluated: 2019-09-14. Review status: criteria provided, single submitter. Criteria: ACMG Guidelines, 2015. Collection method: clinical testing. Allele origin: germline. Affected: yes.
Comment: ACMG classification criteria: PP3

PreventionGenetics, part of Exact Sciences
Classification: Likely benign for BUB1B-related condition. Last evaluated: 2024-01-04. Review status: no assertion criteria provided. Collection method: clinical testing. Allele origin: germline. Not counted in ClinVar's aggregate classification.
Comment: This variant is classified as likely benign based on ACMG/AMP sequence variant interpretation guidelines (Richards et al. 2015 PMID: 25741868, with internal and published modifications).